The following is an entry in ClinVar:

ClinVar aggregate classification (germline): Uncertain significance. Review status: reviewed by expert panel (3 of 4 stars). 2 submissions from 2 submitters: Uncertain significance (1). 1 of the submissions does not count toward it. Last evaluated 2025-05-02.

Conditions:
Mucopolysaccharidosis type 1. Also called: Mucopolysaccharidosis Type I; IDUA deficiency; MPS I. Identifiers: Orphanet 579, MedGen C0023786, MONDO:0001586.

Allele frequency attached by ClinVar (database versions not stated): gnomAD exomes 0.00001; gnomAD 0.00002; TOPMed 0.00002.
gnomAD v4.1: 11 of 1,612,268 alleles (0.00068%); highest among the groups gnomAD compares: African/African-American, 0.0013%; no homozygotes.

Submissions (2):

ClinGen Lysosomal Storage Disorder Variant Curation Expert Panel
Classification: Uncertain significance for Mucopolysaccharidosis type 1. Last evaluated: 2025-05-02. Review status: reviewed by expert panel. Criteria: ClinGen LSD ACMG Specifications IDUA V1.0.0. Collection method: curation. Allele origin: germline. Inheritance: Autosomal recessive inheritance.
Comment: The NM_000203.5:c.216C>G (p.Leu72=) variant is a synonymous (silent) variant that is not predicted by SpliceAI to impact splicing and the variant is not in the first nucleotide or last three nucleotides of an exon (econ 2) (BP7). The computational splicing predictor SpliceAI gives a score of 0.01 for donor gain suggesting that the variant has no impact on splicing (BP4). The highest population minor allele frequency in gnomAD v4.1.0 is 0.00001334 (1/74938 alleles) in the African population, which is lower than the ClinGen Lysosomal Diseases VCEP’s threshold for PM2_Supporting (<0.00025), meeting this criterion (PM2_Supporting). There is a ClinVar entry for this variant (Variation ID: 754391). In summary, this variant meets the criteria to be classified as a variant of uncertain significance for MPS I based on the ACMG/AMP criteria applied, as specified by the ClinGen Lysosomal Diseases Variant Curation Variant Curation Expert Panel (Specifications Version 1.0.0): BP4, BP7, PM2_Supporting. (Classification approved by the ClinGen Lysosomal Diseases Variant Curation Expert Panel on May 2, 2025)

Labcorp Genetics (formerly Invitae), Labcorp
Classification: Likely benign for Mucopolysaccharidosis type 1. Last evaluated: 2025-05-05. Review status: criteria provided, single submitter. Criteria: Invitae Variant Classification Sherloc (09022015). Collection method: clinical testing. Allele origin: germline. Not counted in ClinVar's aggregate classification.

NM_000203.5(IDUA):c.216C>G (p.Leu72=)

Genes: IDUA (alpha-L-iduronidase; plus strand), SLC26A1 (solute carrier family 26 member 1; minus strand). Cytogenetic location: 4p16.3.
Variant type: single nucleotide variant.
Coding change: c.216C>G on transcript NM_000203.5 (MANE Select); coding-DNA position 216, C replaced by G.
Protein change: p.Leu72=; no amino-acid change (leucine 72 retained).
Molecular consequence: synonymous variant. On other transcripts: 3 prime UTR variant (2), non-coding transcript variant (1), intron variant (1).
Genome position (GRCh38, 1-based): chr4:987,866, C>G. VCF-style: chr4-987866-C-G. GRCh37 (hg19) VCF-style: chr4-981654-C-G.
Other names: NM_000203.5(IDUA):c.216C>G; p.Leu72=; c.*967G>C (NM_022042.4, NM_213613.4); c.576+3262G>C (NM_134425.4).
Identifiers: ClinVar variation 754391 (VCV000754391.12), dbSNP rs1174720330, ClinGen allele CA437912662.